The following is an entry in ClinVar:

NM_001854.4(COL11A1):c.3752T>G (p.Val1251Gly)

Gene: COL11A1 (collagen type XI alpha 1 chain; minus strand). Cytogenetic location: 1p21.1.
Variant type: single nucleotide variant.
Coding change: c.3752T>G on transcript NM_001854.4 (MANE Select); coding-DNA position 3752, T replaced by G.
Protein change: p.Val1251Gly; replaces valine 1251 with glycine.
Molecular consequence: missense variant. On other transcripts: non-coding transcript variant (1).
Genome position (GRCh38, 1-based): chr1:102,920,321, A>C on the plus strand (T>G on the coding strand, the complement: COL11A1 is on the minus strand). VCF-style: chr1-102920321-A-C. GRCh37 (hg19) VCF-style: chr1-103385877-A-C.
Other names: c.3635T>G, p.Val1212Gly (NM_001190709.2); c.3788T>G, p.Val1263Gly (NM_080629.3); c.3404T>G, p.Val1135Gly (NM_080630.4); short protein forms V1212G, V1135G, V1251G, V1263G.
Identifiers: ClinVar variation 4741148 (VCV004741148.1).

ClinVar aggregate classification (germline): Uncertain significance (1 of 4 stars; one submission).

Submission:

Labcorp Genetics (formerly Invitae), Labcorp
Classification: Uncertain significance. Last evaluated: 2025-10-05. Review status: criteria provided, single submitter. Criteria: Invitae Variant Classification Sherloc (09022015). Collection method: clinical testing. Allele origin: germline.
Comment: This sequence change replaces valine, which is neutral and non-polar, with glycine, which is neutral and non-polar, at codon 1251 of the COL11A1 protein (p.Val1251Gly). This variant is not present in population databases (gnomAD no frequency). This variant has not been reported in the literature in individuals affected with COL11A1-related conditions. Invitae Evidence Modeling of protein sequence and biophysical properties (such as structural, functional, and spatial information, amino acid conservation, physicochemical variation, residue mobility, and thermodynamic stability) indicates that this missense variant is not expected to disrupt COL11A1 protein function with a negative predictive value of 80%. In summary, the available evidence is currently insufficient to determine the role of this variant in disease. Therefore, it has been classified as a Variant of Uncertain Significance.